The following is an entry in ClinVar:

ClinVar aggregate classification (germline): Pathogenic/Likely pathogenic. Review status: criteria provided, multiple submitters, no conflicts (2 of 4 stars). 2 submissions from 2 submitters: Pathogenic (1); Likely pathogenic (1). Last evaluated 2024-11-21.

gnomAD v4.1: 2 of 1,613,374 alleles (0.00012%); highest among the groups gnomAD compares: Non-Finnish European, 0.00017%; no homozygotes.

Submissions (2):

Labcorp Genetics (formerly Invitae), Labcorp
Classification: Likely pathogenic. Last evaluated: 2024-11-21. Review status: criteria provided, single submitter. Criteria: Invitae Variant Classification Sherloc (09022015). Collection method: clinical testing. Allele origin: germline.
Comment: This sequence change affects a donor splice site in intron 6 of the CDH3 gene. It is expected to disrupt RNA splicing. Variants that disrupt the donor or acceptor splice site typically lead to a loss of protein function (PMID: 16199547), and loss-of-function variants in CDH3 are known to be pathogenic (PMID: 15805154, 27386845, 29620724). This variant is present in population databases (rs758051035, gnomAD 0.002%). This variant has not been reported in the literature in individuals affected with CDH3-related conditions. Algorithms developed to predict the effect of sequence changes on RNA splicing suggest that this variant may disrupt the consensus splice site. In summary, the currently available evidence indicates that the variant is pathogenic, but additional data are needed to prove that conclusively. Therefore, this variant has been classified as Likely Pathogenic.

Dasa
Classification: Pathogenic. Last evaluated: 2024-10-22. Review status: criteria provided, single submitter. Criteria: DASA Assertion Criteria. Collection method: clinical testing. Allele origin: germline.
Comment: NM_001793.6(CDH3):c.691+1G>A introduces a premature termination codon predicted to result in loss of normal protein function. Loss-of-function is an established mechanism of disease for this gene. This variant has been observed in affected individuals with related phenotype in a genotype context consistent with recessive disease. The variant is present at low frequency in population datasets. Based on the available data, this variant is classified as pathogenic.

Literature cited by the submitters: PubMed 16199547 (cited by Labcorp Genetics (formerly Invitae), Labcorp); PubMed 15805154 (cited by Labcorp Genetics (formerly Invitae), Labcorp); PubMed 27386845 (cited by Labcorp Genetics (formerly Invitae), Labcorp); PubMed 29620724 (cited by Labcorp Genetics (formerly Invitae), Labcorp).

NM_001793.6(CDH3):c.691+1G>A

Gene: CDH3 (cadherin 3; plus strand). Cytogenetic location: 16q22.1.
Variant type: single nucleotide variant.
Coding change: c.691+1G>A on transcript NM_001793.6 (MANE Select); the canonical splice donor site of the intron after coding-DNA position 691, G replaced by A.
Molecular consequence: splice donor variant.
Genome position (GRCh38, 1-based): chr16:68,678,907, G>A. VCF-style: chr16-68678907-G-A. GRCh37 (hg19) VCF-style: chr16-68712810-G-A.
Other names: c.526+1G>A (NM_001317196.2); c.691+1G>A (NM_001317195.3).
Identifiers: ClinVar variation 3675470 (VCV003675470.3).
Genomic context (GRCh38, chr16:68,678,907, plus strand): 5'-ACAAGCCCAAGTTTACCCAGGACACCTTCCGAGGGAGTGTCTTAGAGGGAGTCCTACCAG[G>A]TAAGAGGACTGGGAAGGGGACTGCTACGGGGCTGGGCCCACACCCTTAAATGCTAAAAGA-3'